The following is an entry in ClinVar:

NM_000132.4(F8):c.815T>C (p.Val272Ala)

Gene: F8 (coagulation factor VIII; minus strand). Cytogenetic location: Xq28.
Variant type: single nucleotide variant.
Coding change: c.815T>C on transcript NM_000132.4 (MANE Select); coding-DNA position 815, T replaced by C.
Protein change: p.Val272Ala; replaces valine 272 with alanine.
Molecular consequence: missense variant.
Genome position (GRCh38, 1-based): chrX:154,969,525, A>G on the plus strand (T>C on the coding strand, the complement: F8 is on the minus strand). VCF-style: chrX-154969525-A-G. GRCh37 (hg19) VCF-style: chrX-154197800-A-G.
Other names: short protein forms V272A.
Identifiers: ClinVar variation 4848591 (VCV004848591.1).

ClinVar aggregate classification (germline): Uncertain significance (1 of 4 stars; one submission).

Submission:

Women's Health and Genetics/Laboratory Corporation of America, LabCorp
Classification: Uncertain significance. Last evaluated: 2026-04-14. Review status: criteria provided, single submitter. Criteria: LabCorp Variant Classification Summary - May 2015. Collection method: clinical testing. Allele origin: germline.
Comment: Variant summary: F8 c.815T>C (p.Val272Ala) results in a non-conservative amino acid change in the encoded protein sequence. Algorithms developed to predict the effect of missense changes on protein structure and function are either unavailable or do not agree on the potential impact of this missense change. The variant was absent in 182160 control chromosomes (gnomAD). The available data on variant occurrences in the general population are insufficient to allow any conclusion about variant significance. c.815T>C has been observed in an individual(s) affected with Factor VIII Deficiency (Hemophilia A)(Johnsen_2022). This report does not provide unequivocal conclusions about association of the variant with Factor VIII Deficiency (Hemophilia A). To our knowledge, no experimental evidence demonstrating an impact on protein function has been reported. The following publication has been ascertained in the context of this evaluation (PMID: 35770352). No submitters have cited clinical-significance assessments for this variant to ClinVar. Based on the evidence outlined above, the variant was classified as uncertain significance.

Literature cited by the submitters: PubMed 35770352.